The following is an entry in ClinVar:

ClinVar aggregate classification (germline): Uncertain significance. Review status: criteria provided, multiple submitters, no conflicts (2 of 4 stars). 2 submissions from 2 submitters: Uncertain significance (2). Last evaluated 2026-03-08.

Conditions:
OTOG-related disorder. Also called: OTOG-related condition.

Allele frequency attached by ClinVar (database versions not stated): gnomAD 0.00002; TOPMed 0.00037.
gnomAD v4.1: 130 of 1,550,124 alleles (0.0084%); highest among the groups gnomAD compares: Middle Eastern, 0.017%; no homozygotes.

Submissions (2):

PreventionGenetics, part of Exact Sciences
Classification: Uncertain significance for OTOG-related condition. Last evaluated: 2026-03-08. Review status: criteria provided, single submitter. Criteria: ACMG Guidelines, 2015. Collection method: clinical testing. Allele origin: germline.
Comment: The OTOG c.8246C>T variant is predicted to result in the amino acid substitution p.Pro2749Leu. To our knowledge, this variant has not been reported in the literature. This variant is reported in 0.0072% of alleles in individuals of European (Non-Finnish) descent in gnomAD. At this time, the clinical significance of this variant is uncertain due to the absence of conclusive functional and genetic evidence.

Labcorp Genetics (formerly Invitae), Labcorp
Classification: Uncertain significance. Last evaluated: 2024-10-24. Review status: criteria provided, single submitter. Criteria: Invitae Variant Classification Sherloc (09022015). Collection method: clinical testing. Allele origin: germline.
Comment: This sequence change replaces proline, which is neutral and non-polar, with leucine, which is neutral and non-polar, at codon 2749 of the OTOG protein (p.Pro2749Leu). This variant is present in population databases (no rsID available, gnomAD 0.008%). This variant has not been reported in the literature in individuals affected with OTOG-related conditions. ClinVar contains an entry for this variant (Variation ID: 2165509). An algorithm developed to predict the effect of missense changes on protein structure and function (PolyPhen-2) suggests that this variant is likely to be disruptive. In summary, the available evidence is currently insufficient to determine the role of this variant in disease. Therefore, it has been classified as a Variant of Uncertain Significance.

NM_001292063.2(OTOG):c.8210C>T (p.Pro2737Leu)

Gene: OTOG (otogelin; plus strand). Cytogenetic location: 11p15.1.
Variant type: single nucleotide variant.
Coding change: c.8210C>T on transcript NM_001292063.2 (MANE Select); coding-DNA position 8210, C replaced by T.
Protein change: p.Pro2737Leu; replaces proline 2737 with leucine.
Molecular consequence: missense variant.
Genome position (GRCh38, 1-based): chr11:17,641,866, C>T. VCF-style: chr11-17641866-C-T. GRCh37 (hg19) VCF-style: chr11-17663413-C-T.
Other names: c.8246C>T, p.Pro2749Leu (NM_001277269.2); c.8246C>T (NM_001277269.1); short protein forms P2737L, P2749L.
Identifiers: ClinVar variation 2165509 (VCV002165509.5), dbSNP rs919566132, ClinGen allele CA218456687.